The following is an entry in ClinVar:

NM_002968.3(SALL1):c.1028dup (p.Leu344fs)

Gene: SALL1 (spalt like transcription factor 1; minus strand). Cytogenetic location: 16q12.1.
Variant type: Duplication.
Coding change: c.1028dup on transcript NM_002968.3 (MANE Select); coding-DNA position 1028, one base duplicated (T; older notation c.1028dupT).
Protein change: p.Leu344fs; shifts the reading frame from leucine 344.
Molecular consequence: frameshift variant.
Genome position (GRCh38, 1-based): chr16:51,141,194, A duplicated on the plus strand (T on the coding strand, the reverse complement: SALL1 is on the minus strand). VCF-style (leftmost placement, unchanged base first): chr16-51141193-T-TA. GRCh37 (hg19) VCF-style: chr16-51175104-T-TA.
Other names: c.737dup, p.Leu247fs (NM_001127892.2); short protein forms L247fs, L344fs.
Identifiers: ClinVar variation 1069953 (VCV001069953.7), dbSNP rs2143448019, ClinGen allele CA2499223546.

ClinVar aggregate classification (germline): Pathogenic (1 of 4 stars; one submission).

Conditions:
Townes syndrome (TBS). Also called: Townes-Brocks syndrome. Identifiers: Orphanet 857, MedGen C0265246, MeSH C536974, MONDO:0007142.

Submission:

Labcorp Genetics (formerly Invitae), Labcorp
Classification: Pathogenic for Townes syndrome. Last evaluated: 2020-06-22. Review status: criteria provided, single submitter. Criteria: Invitae Variant Classification Sherloc (09022015). Collection method: clinical testing. Allele origin: germline.
Comment: For these reasons, this variant has been classified as Pathogenic. Loss-of-function variants in SALL1 are known to be pathogenic (PMID: 9973281, 12915476, 16088922, 23069192). This variant has not been reported in the literature in individuals with SALL1-related conditions. This variant is not present in population databases (ExAC no frequency). This sequence change creates a premature translational stop signal (p.Leu344Ilefs*11) in the SALL1 gene. It is expected to result in an absent or disrupted protein product.

Literature cited by the submitters: PubMed 9973281; PubMed 12915476; PubMed 16088922; PubMed 23069192.